The following is an entry in ClinVar:

ClinVar aggregate classification (germline): Uncertain significance (1 of 4 stars; one submission).

Allele frequency attached by ClinVar (database versions not stated): gnomAD exomes below 0.00001; TOPMed below 0.00001.
gnomAD v4.1: 2 of 1,609,818 alleles (0.00012%); highest among the groups gnomAD compares: Non-Finnish European, 0.00017%; no homozygotes.

Submission:

Labcorp Genetics (formerly Invitae), Labcorp
Classification: Uncertain significance. Last evaluated: 2021-11-19. Review status: criteria provided, single submitter. Criteria: Invitae Variant Classification Sherloc (09022015). Collection method: clinical testing. Allele origin: germline.
Comment: Algorithms developed to predict the effect of missense changes on protein structure and function (SIFT, PolyPhen-2, Align-GVGD) all suggest that this variant is likely to be tolerated. This variant has not been reported in the literature in individuals affected with SBF1-related conditions. This variant is not present in population databases (gnomAD no frequency). This sequence change replaces glutamic acid, which is acidic and polar, with lysine, which is basic and polar, at codon 510 of the SBF1 protein (p.Glu510Lys). In summary, the available evidence is currently insufficient to determine the role of this variant in disease. Therefore, it has been classified as a Variant of Uncertain Significance.

NM_002972.4(SBF1):c.1528G>A (p.Glu510Lys)

Gene: SBF1 (SET binding factor 1; minus strand). Cytogenetic location: 22q13.33.
Variant type: single nucleotide variant.
Coding change: c.1528G>A on transcript NM_002972.4 (MANE Select); coding-DNA position 1528, G replaced by A.
Protein change: p.Glu510Lys; replaces glutamic acid 510 with lysine.
Molecular consequence: missense variant.
Genome position (GRCh38, 1-based): chr22:50,464,642, C>T on the plus strand (G>A on the coding strand, the complement: SBF1 is on the minus strand). VCF-style: chr22-50464642-C-T. GRCh37 (hg19) VCF-style: chr22-50903071-C-T.
Other names: c.1531G>A, p.Glu511Lys (NM_001365819.1); short protein forms E511K, E510K.
Identifiers: ClinVar variation 1394214 (VCV001394214.6), dbSNP rs1556430354, ClinGen allele CA412217659.